The following is an entry in ClinVar:

NM_006231.4(POLE):c.3482T>C (p.Val1161Ala)

Gene: POLE (DNA polymerase epsilon, catalytic subunit; minus strand). Cytogenetic location: 12q24.33.
Variant type: single nucleotide variant.
Coding change: c.3482T>C on transcript NM_006231.4 (MANE Select); coding-DNA position 3482, T replaced by C.
Protein change: p.Val1161Ala; replaces valine 1161 with alanine.
Molecular consequence: missense variant.
Genome position (GRCh38, 1-based): chr12:132,657,236, A>G on the plus strand (T>C on the coding strand, the complement: POLE is on the minus strand). VCF-style: chr12-132657236-A-G. GRCh37 (hg19) VCF-style: chr12-133233822-A-G.
Other names: c.3482T>C (NM_006231.2); short protein forms V1161A.
Identifiers: ClinVar variation 1415981 (VCV001415981.7), dbSNP rs2138657382, ClinGen allele CA387388738.
Genomic context (GRCh38, chr12:132,657,236, plus strand): 5'-TTCTGCTTGTAGACATCATTCTTCTCCAGCAGTTTTTTGTGCAGCCAGTCGGGGTGTTTG[A>G]CACGTGGCACTGGGTTCTTTACCTGTGTGAGGCCAACACCCATCAGAGAGAGACCCTTGT-3'
Protein context (NP_006222.2, residues 1151-1171): LQQVKNPVPR[Val1161Ala]KHPDWLHKKL

ClinVar aggregate classification (germline): Uncertain significance. Review status: criteria provided, multiple submitters, no conflicts (2 of 4 stars). 2 submissions from 2 submitters: Uncertain significance (2). Last evaluated 2025-07-07.

Conditions:
Hereditary cancer-predisposing syndrome. Also called: Hereditary Cancer Syndrome; Tumor predisposition; Hereditary neoplastic syndrome; Neoplastic Syndromes, Hereditary. Identifiers: Orphanet 140162, MedGen C0027672, MeSH D009386, MONDO:0015356.

Submissions (2):

Labcorp Genetics (formerly Invitae), Labcorp
Classification: Uncertain significance. Last evaluated: 2025-07-07. Review status: criteria provided, single submitter. Criteria: Invitae Variant Classification Sherloc (09022015). Collection method: clinical testing. Allele origin: germline.
Comment: This sequence change replaces valine, which is neutral and non-polar, with alanine, which is neutral and non-polar, at codon 1161 of the POLE protein (p.Val1161Ala). This variant is not present in population databases (gnomAD no frequency). This variant has not been reported in the literature in individuals affected with POLE-related conditions. ClinVar contains an entry for this variant (Variation ID: 1415981). Invitae Evidence Modeling of protein sequence and biophysical properties (such as structural, functional, and spatial information, amino acid conservation, physicochemical variation, residue mobility, and thermodynamic stability) indicates that this missense variant is expected to disrupt POLE protein function with a positive predictive value of 80%. In summary, the available evidence is currently insufficient to determine the role of this variant in disease. Therefore, it has been classified as a Variant of Uncertain Significance.

Ambry Genetics
Classification: Uncertain significance for Hereditary cancer-predisposing syndrome. Last evaluated: 2024-01-20. Review status: criteria provided, single submitter. Criteria: Ambry Variant Classification Scheme 2023. Collection method: clinical testing. Allele origin: germline.
Comment: The p.V1161A variant (also known as c.3482T>C), located in coding exon 29 of the POLE gene, results from a T to C substitution at nucleotide position 3482. The valine at codon 1161 is replaced by alanine, an amino acid with similar properties. This amino acid position is conserved. In addition, the in silico prediction for this alteration is inconclusive. Based on the available evidence, the clinical significance of this alteration remains unclear.